The following is an entry in ClinVar:

NM_001042492.3(NF1):c.3596C>G (p.Thr1199Arg)

Gene: NF1 (neurofibromin 1; plus strand). Cytogenetic location: 17q11.2.
Variant type: single nucleotide variant.
Coding change: c.3596C>G on transcript NM_001042492.3 (MANE Select); coding-DNA position 3596, C replaced by G.
Protein change: p.Thr1199Arg; replaces threonine 1199 with arginine.
Molecular consequence: missense variant.
Genome position (GRCh38, 1-based): chr17:31,233,101, C>G. VCF-style: chr17-31233101-C-G. GRCh37 (hg19) VCF-style: chr17-29560119-C-G.
Other names: c.3596C>G, p.Thr1199Arg (NM_000267.4); short protein forms T1199R.
Identifiers: ClinVar variation 547630 (VCV000547630.8), dbSNP rs1555615047, ClinGen allele CA398990239.
Genomic context (GRCh38, chr17:31,233,101, plus strand): 5'-TTATGGAAGTTCTGACAAAAATCCTTCAACAAGGCACAGAATTTGACACACTTGCAGAAA[C>G]AGTATTGGCTGATCGGTTTGAGAGATTGGTGGAACTGGTCACAATGATGGGTGATCAAGG-3'
Protein context (NP_001035957.1, residues 1189-1209): QGTEFDTLAE[Thr1199Arg]VLADRFERLV

ClinVar aggregate classification (germline): Conflicting classifications of pathogenicity. Review status: criteria provided, conflicting classifications (1 of 4 stars). 5 submissions from 5 submitters: Likely pathogenic (1); Uncertain significance (4). Last evaluated 2025-09-02.

Conditions:
Neurofibromatosis, type 1 (NF1). Also called: NEUROFIBROMATOSIS, TYPE I, SOMATIC; VON RECKLINGHAUSEN DISEASE; Peripheral type neurofibromatosis; Neurofibromatosis, type I. Identifiers: Orphanet 636, MedGen C0027831, MONDO:0018975, OMIM 162200. Disease mechanism: loss of function.

Submissions (5):

Labcorp Genetics (formerly Invitae), Labcorp
Classification: Likely pathogenic for Neurofibromatosis, type 1. Last evaluated: 2025-09-02. Review status: criteria provided, single submitter. Criteria: Invitae Variant Classification Sherloc (09022015). Collection method: clinical testing. Allele origin: germline.
Comment: This sequence change replaces threonine, which is neutral and polar, with arginine, which is basic and polar, at codon 1199 of the NF1 protein (p.Thr1199Arg). This variant is not present in population databases (gnomAD no frequency). This missense change has been observed in individual(s) with clinical features of neurofibromatosis type 1 (internal data). ClinVar contains an entry for this variant (Variation ID: 547630). Invitae Evidence Modeling of protein sequence and biophysical properties (such as structural, functional, and spatial information, amino acid conservation, physicochemical variation, residue mobility, and thermodynamic stability) indicates that this missense variant is expected to disrupt NF1 protein function with a positive predictive value of 95%. This variant disrupts the p.Thr1199 amino acid residue in NF1. Other variant(s) that disrupt this residue have been determined to be pathogenic (internal data). This suggests that this residue is clinically significant, and that variants that disrupt this residue are likely to be disease-causing. In summary, the currently available evidence indicates that the variant is pathogenic, but additional data are needed to prove that conclusively. Therefore, this variant has been classified as Likely Pathogenic.

GeneDx
Classification: Uncertain significance. Last evaluated: 2024-08-13. Review status: criteria provided, single submitter. Criteria: GeneDx Variant Classification Process June 2021. Collection method: clinical testing. Allele origin: germline. Affected: yes.
Comment: Not observed at significant frequency in large population cohorts (gnomAD); In silico analysis supports that this missense variant has a deleterious effect on protein structure/function; Has not been previously published as pathogenic or benign to our knowledge; This variant is associated with the following publications: (PMID: 2121369, 25486365, 22807134)

Genome-Nilou Lab
Classification: Uncertain significance for Neurofibromatosis, type 1. Last evaluated: 2022-03-15. Review status: criteria provided, single submitter. Criteria: ACMG Guidelines, 2015. Collection method: clinical testing. Allele origin: germline. Affected: no.

HudsonAlpha Institute for Biotechnology
Classification: Uncertain significance for Neurofibromatosis, type 1. Last evaluated: 2018-06-07. Review status: criteria provided, single submitter. Criteria: ACMG Guidelines, 2015. Collection method: research. Allele origin: de novo. Observed: 1 variant allele. Study: CSER-HudsonAlpha.

Center for Human Genetics, Inc
Classification: Uncertain significance for Neurofibromatosis, type 1. Last evaluated: 2016-11-01. Review status: criteria provided, single submitter. Criteria: ACMG Guidelines, 2015. Collection method: clinical testing. Allele origin: germline. Affected: yes.